The following is an entry in ClinVar:

NM_014244.5(ADAMTS2):c.-38G>A

Gene: ADAMTS2 (ADAM metallopeptidase with thrombospondin type 1 motif 2; minus strand). Cytogenetic location: 5q35.3.
Variant type: single nucleotide variant.
Coding change: c.-38G>A on transcript NM_014244.5 (MANE Select); 38 bases upstream of the start codon, G replaced by A.
Molecular consequence: 5 prime UTR variant.
Genome position (GRCh38, 1-based): chr5:179,345,366, C>T on the plus strand (G>A on the coding strand, the complement: ADAMTS2 is on the minus strand). VCF-style: chr5-179345366-C-T. GRCh37 (hg19) VCF-style: chr5-178772367-C-T.
Other names: c.-38G>A (NM_021599.4).
Identifiers: ClinVar variation 506911 (VCV000506911.1), dbSNP rs1000819017, ClinGen allele CA133087021.
Genomic context (GRCh38, chr5:179,345,366, plus strand): 5'-GCGGCTCCCGCCGGCGGATCCATGGCAGCCGGACTGCAGCCGGGGCCCCGCACTCGCAGC[C>T]GGCGCGAAAGTTCCCCGCGAGCCGCCCAGCCCACATCTGGGGGCAGCTGGAGCCGCCCGC-3'

ClinVar aggregate classification (germline): Likely benign (1 of 4 stars; one submission).

Allele frequency attached by ClinVar (database versions not stated): TOPMed below 0.00001; gnomAD 0.00001.

Submission:

GeneDx
Classification: Likely benign. Last evaluated: 2017-01-25. Review status: criteria provided, single submitter. Criteria: GeneDx Variant Classification (06012015). Collection method: clinical testing. Allele origin: germline. Affected: yes.
Comment: This variant is considered likely benign or benign based on one or more of the following criteria: it is a conservative change, it occurs at a poorly conserved position in the protein, it is predicted to be benign by multiple in silico algorithms, and/or has population frequency not consistent with disease.